The following is an entry in ClinVar:

NM_006946.4(SPTBN2):c.2666T>C (p.Val889Ala)

Gene: SPTBN2 (spectrin beta, non-erythrocytic 2; minus strand). Cytogenetic location: 11q13.2.
Variant type: single nucleotide variant.
Coding change: c.2666T>C on transcript NM_006946.4 (MANE Select); coding-DNA position 2666, T replaced by C.
Protein change: p.Val889Ala; replaces valine 889 with alanine.
Molecular consequence: missense variant.
Genome position (GRCh38, 1-based): chr11:66,704,610, A>G on the plus strand (T>C on the coding strand, the complement: SPTBN2 is on the minus strand). VCF-style: chr11-66704610-A-G. GRCh37 (hg19) VCF-style: chr11-66472081-A-G.
Other names: c.2687T>C, p.Val896Ala (NM_001411025.1); c.2666T>C, p.Val889Ala (NM_001437541.1); short protein forms V889A, V896A.
Identifiers: ClinVar variation 5017789 (VCV005017789.1).

ClinVar aggregate classification (germline): Uncertain significance (1 of 4 stars; one submission).

Submission:

GeneDx
Classification: Uncertain significance. Last evaluated: 2026-03-31. Review status: criteria provided, single submitter. Criteria: GeneDx Variant Classification Process June 2021. Collection method: clinical testing. Allele origin: germline.
Comment: Not observed at significant frequency in large population cohorts (gnomAD); In silico analysis supports that this missense variant has a deleterious effect on protein structure/function; Has not been previously published as pathogenic or benign to our knowledge